The following is an entry in ClinVar:

NM_001376.5(DYNC1H1):c.11773C>G (p.Gln3925Glu)

Gene: DYNC1H1 (dynein cytoplasmic 1 heavy chain 1; plus strand). Cytogenetic location: 14q32.31.
Variant type: single nucleotide variant.
Coding change: c.11773C>G on transcript NM_001376.5 (MANE Select); coding-DNA position 11773, C replaced by G.
Protein change: p.Gln3925Glu; replaces glutamine 3925 with glutamic acid.
Molecular consequence: missense variant.
Genome position (GRCh38, 1-based): chr14:102,040,318, C>G. VCF-style: chr14-102040318-C-G. GRCh37 (hg19) VCF-style: chr14-102506655-C-G.
Other names: short protein forms Q3925E.
Identifiers: ClinVar variation 1433912 (VCV001433912.8), dbSNP rs771773704, ClinGen allele CA266977059.

ClinVar aggregate classification (germline): Uncertain significance (1 of 4 stars; one submission).

Conditions:
Charcot-Marie-Tooth disease axonal type 2O. Also called: CHARCOT-MARIE-TOOTH NEUROPATHY, AXONAL, TYPE 2O; CHARCOT-MARIE-TOOTH DISEASE, AXONAL, AUTOSOMAL DOMINANT, TYPE 2O; Charcot-Marie-Tooth Neuropathy Type 2O; Charcot-Marie-Tooth disease, axonal, type 20. Identifiers: Orphanet 284232, MedGen C3280220, MONDO:0013644, OMIM 614228.

Allele frequency attached by ClinVar (database versions not stated): TOPMed below 0.00001.

Submission:

Labcorp Genetics (formerly Invitae), Labcorp
Classification: Uncertain significance for Charcot-Marie-Tooth disease axonal type 2O. Last evaluated: 2025-04-14. Review status: criteria provided, single submitter. Criteria: Invitae Variant Classification Sherloc (09022015). Collection method: clinical testing. Allele origin: germline.
Comment: This sequence change replaces glutamine, which is neutral and polar, with glutamic acid, which is acidic and polar, at codon 3925 of the DYNC1H1 protein (p.Gln3925Glu). This variant is not present in population databases (gnomAD no frequency). This variant has not been reported in the literature in individuals affected with DYNC1H1-related conditions. ClinVar contains an entry for this variant (Variation ID: 1433912). Invitae Evidence Modeling of protein sequence and biophysical properties (such as structural, functional, and spatial information, amino acid conservation, physicochemical variation, residue mobility, and thermodynamic stability) indicates that this missense variant is not expected to disrupt DYNC1H1 protein function with a negative predictive value of 95%. In summary, the available evidence is currently insufficient to determine the role of this variant in disease. Therefore, it has been classified as a Variant of Uncertain Significance.